The following is an entry in ClinVar:

NM_000179.3(MSH6):c.3640G>C (p.Glu1214Gln)

Gene: MSH6 (mutS homolog 6; plus strand). Cytogenetic location: 2p16.3.
Variant type: single nucleotide variant.
Coding change: c.3640G>C on transcript NM_000179.3 (MANE Select); coding-DNA position 3640, G replaced by C.
Protein change: p.Glu1214Gln; replaces glutamic acid 1214 with glutamine.
Molecular consequence: missense variant.
Genome position (GRCh38, 1-based): chr2:47,805,701, G>C. VCF-style: chr2-47805701-G-C. GRCh37 (hg19) VCF-style: chr2-48032840-G-C.
Other names: c.3250G>C, p.Glu1084Gln (NM_001281492.2); c.2734G>C, p.Glu912Gln (NM_001281493.2, NM_001281494.2); short protein forms E1214Q, E1084Q, E912Q.
Identifiers: ClinVar variation 836315 (VCV000836315.13), dbSNP rs1114167744, ClinGen allele CA346760622.
Genomic context (GRCh38, chr2:47,805,701, plus strand): 5'-TTAAGTGAAACTGCCAGCATACTCATGCATGCAACAGCACATTCTCTGGTGCTTGTGGAT[G>C]AATTAGGTAAGACATTAAACTTCTCATTTGAAGACTATCTATCTTAAAAACATTTGTACA-3'
Protein context (NP_000170.1, residues 1204-1224): ATAHSLVLVD[Glu1214Gln]LGRGTATFDG

ClinVar aggregate classification (germline): Uncertain significance. Review status: criteria provided, multiple submitters, no conflicts (2 of 4 stars). 2 submissions from 2 submitters: Uncertain significance (2). Last evaluated 2026-08-20.

Conditions:
Hereditary nonpolyposis colorectal neoplasms. Identifiers: MedGen C0009405, MeSH D003123.
Hereditary cancer-predisposing syndrome. Also called: Tumor predisposition; Hereditary neoplastic syndrome; Neoplastic Syndromes, Hereditary; Hereditary Cancer Syndrome. Identifiers: Orphanet 140162, MedGen C0027672, MeSH D009386, MONDO:0015356.

Submissions (2):

Ambry Genetics
Classification: Uncertain significance for Hereditary cancer-predisposing syndrome. Last evaluated: 2026-08-20. Review status: criteria provided, single submitter. Criteria: Ambry Variant Classification Scheme 2023. Collection method: clinical testing. Allele origin: germline.
Comment: The p.E1214Q variant (also known as c.3640G>C), located in coding exon 7 of the MSH6 gene, results from a G to C substitution at nucleotide position 3640. The glutamic acid at codon 1214 is replaced by glutamine, an amino acid with highly similar properties. This amino acid position is conserved. In addition, this alteration is predicted to be deleterious by in silico analysis. Based on the available evidence, the clinical significance of this variant remains unclear.

Labcorp Genetics (formerly Invitae), Labcorp
Classification: Uncertain significance for Hereditary nonpolyposis colorectal neoplasms. Last evaluated: 2021-07-13. Review status: criteria provided, single submitter. Criteria: Invitae Variant Classification Sherloc (09022015). Collection method: clinical testing. Allele origin: germline.
Comment: This sequence change replaces glutamic acid with glutamine at codon 1214 of the MSH6 protein (p.Glu1214Gln). The glutamic acid residue is highly conserved and there is a small physicochemical difference between glutamic acid and glutamine. This variant is not present in population databases (ExAC no frequency). This variant has not been reported in the literature in individuals with MSH6-related conditions. Algorithms developed to predict the effect of missense changes on protein structure and function (SIFT, PolyPhen-2, Align-GVGD) all suggest that this variant is likely to be disruptive, but these predictions have not been confirmed by published functional studies and their clinical significance is uncertain. In summary, the available evidence is currently insufficient to determine the role of this variant in disease. Therefore, it has been classified as a Variant of Uncertain Significance.